The following is an entry in ClinVar:

NM_138295.5(PKD1L1):c.7786C>T (p.Arg2596Ter)

Genes: PKD1L1 (polycystin 1 like 1, transient receptor potential channel interacting; minus strand), PKD1L1-AS1 (PKD1L1 antisense RNA 1; plus strand). Cytogenetic location: 7p12.3.
Variant type: single nucleotide variant.
Coding change: c.7786C>T on transcript NM_138295.5 (MANE Select); coding-DNA position 7786, C replaced by T.
Protein change: p.Arg2596Ter; replaces arginine 2596 with a stop codon.
Molecular consequence: nonsense.
Genome position (GRCh38, 1-based): chr7:47,808,288, G>A on the plus strand (C>T on the coding strand, the complement: PKD1L1 is on the minus strand). VCF-style: chr7-47808288-G-A. GRCh37 (hg19) VCF-style: chr7-47847886-G-A.
Other names: short protein forms R2596*.
Identifiers: ClinVar variation 4846887 (VCV004846887.1).

ClinVar aggregate classification (germline): Likely pathogenic (1 of 4 stars; one submission).

Conditions:
Heterotaxy, visceral, 8, autosomal (HTX8). Identifiers: MedGen C4310668, MONDO:0014967, OMIM 617205.

gnomAD v4.1: 18 of 1,613,948 alleles (0.0011%); highest among the groups gnomAD compares: East Asian, 0.0067%; no homozygotes.

Submission:

Laboratorio de Genetica e Diagnostico Molecular, Hospital Israelita Albert Einstein
Classification: Likely pathogenic for Heterotaxy, visceral, 8, autosomal. Last evaluated: 2022-07-25. Review status: criteria provided, single submitter. Criteria: ACMG Guidelines, 2015. Collection method: clinical testing. Allele origin: germline. Affected: yes.
Comment: ACMG classification criteria: PVS1 very strong, PM2 moderate